The following is an entry in ClinVar:

NC_000005.9:g.(?_94872501)_(94872865_?)del

Gene: SKIC3 (SKI3 subunit of superkiller complex; minus strand). Cytogenetic location: 5q15.
Variant type: Deletion.
Identifiers: ClinVar variation 3246520 (VCV003246520.1).

ClinVar aggregate classification (germline): Pathogenic (1 of 4 stars; one submission).

Submission:

Labcorp Genetics (formerly Invitae), Labcorp
Classification: Pathogenic. Last evaluated: 2022-12-29. Review status: criteria provided, single submitter. Criteria: Invitae Variant Classification Sherloc (09022015). Collection method: clinical testing. Allele origin: unknown.
Comment: For these reasons, this variant has been classified as Pathogenic. This variant has not been reported in the literature in individuals affected with TTC37-related conditions. This variant is a gross deletion of the genomic region encompassing exon(s) 9-10 of the TTC37 gene. This deletion is out-of-frame, and is expected to create a premature termination codon and result in an absent or disrupted protein product. Loss-of-function variants in TTC37 are known to be pathogenic (PMID: 20176027, 21120949).

Literature cited by the submitters: PubMed 20176027; PubMed 21120949.